The following is an entry in ClinVar:

ClinVar aggregate classification (germline): Likely benign. Review status: criteria provided, multiple submitters, no conflicts (2 of 4 stars). 5 submissions from 5 submitters: Likely benign (4). 1 of the submissions does not count toward it. Last evaluated 2026-04-01.

Conditions:
Spermatogenic failure 28. Identifiers: MedGen C4748117, MONDO:0054732, OMIM 618086.
Premature ovarian failure 15. Identifiers: MedGen C4748170, MONDO:0054862, OMIM 618096.
Inborn genetic diseases. Identifiers: MedGen C0950123, MeSH D030342.
Fanconi anemia (FA). Also called: Fanconi's anemia. Identifiers: Orphanet 84, MedGen C0015625, MeSH D005199, MONDO:0019391.
FANCM-related disorder. Also called: FANCM-related condition.

Allele frequency attached by ClinVar (database versions not stated): ExAC 0.00002; gnomAD 0.00002 and 0.00003; gnomAD exomes 0.00002; TOPMed 0.00002.
gnomAD v4.1: 22 of 1,613,970 alleles (0.0014%); highest among the groups gnomAD compares: Non-Finnish European, 0.0019%; no homozygotes.

Submissions (5):

CeGaT Center for Human Genetics Tuebingen
Classification: Likely benign. Last evaluated: 2026-04-01. Review status: criteria provided, single submitter. Criteria: CeGaT Center For Human Genetics Tuebingen Variant Classification Criteria Version 2. Collection method: clinical testing. Allele origin: germline. Affected: yes. Observed: 2 variant alleles.
Comment: FANCM: BP4, BP7

Labcorp Genetics (formerly Invitae), Labcorp
Classification: Likely benign for Fanconi anemia. Last evaluated: 2025-12-23. Review status: criteria provided, single submitter. Criteria: Invitae Variant Classification Sherloc (09022015). Collection method: clinical testing. Allele origin: germline.

Ambry Genetics
Classification: Likely benign for Inborn genetic diseases. Last evaluated: 2024-11-25. Review status: criteria provided, single submitter. Criteria: Ambry Variant Classification Scheme 2023. Collection method: clinical testing. Allele origin: germline.

Fulgent Genetics
Classification: Likely benign for Spermatogenic failure 28; Premature ovarian failure 15. Last evaluated: 2022-04-12. Review status: criteria provided, single submitter. Criteria: ACMG Guidelines, 2015. Collection method: clinical testing. Allele origin: unknown.

PreventionGenetics, part of Exact Sciences
Classification: Likely benign for FANCM-related condition. Last evaluated: 2022-05-09. Review status: no assertion criteria provided. Collection method: clinical testing. Allele origin: germline. Not counted in ClinVar's aggregate classification.
Comment: This variant is classified as likely benign based on ACMG/AMP sequence variant interpretation guidelines (Richards et al. 2015 PMID: 25741868, with internal and published modifications).

NM_020937.4(FANCM):c.3513T>C (p.Pro1171=)

Gene: FANCM (FA complementation group M; plus strand). Cytogenetic location: 14q21.2.
Variant type: single nucleotide variant.
Coding change: c.3513T>C on transcript NM_020937.4 (MANE Select); coding-DNA position 3513, T replaced by C.
Protein change: p.Pro1171=; no amino-acid change (proline 1171 retained).
Molecular consequence: synonymous variant.
Genome position (GRCh38, 1-based): chr14:45,176,267, T>C. VCF-style: chr14-45176267-T-C. GRCh37 (hg19) VCF-style: chr14-45645470-T-C.
Other names: c.3435T>C, p.Pro1145= (NM_001308133.2); c.3513T>C (NM_020937.2, NM_020937.3).
Identifiers: ClinVar variation 1120983 (VCV001120983.35), dbSNP rs771150480, ClinGen allele CA7169522.